The following is an entry in ClinVar:

NM_003738.5(PTCH2):c.175C>A (p.Leu59Ile)

Gene: PTCH2 (patched 2; minus strand). Cytogenetic location: 1p34.1.
Variant type: single nucleotide variant.
Coding change: c.175C>A on transcript NM_003738.5 (MANE Select); coding-DNA position 175, C replaced by A.
Protein change: p.Leu59Ile; replaces leucine 59 with isoleucine.
Molecular consequence: missense variant.
Genome position (GRCh38, 1-based): chr1:44,841,937, G>T on the plus strand (C>A on the coding strand, the complement: PTCH2 is on the minus strand). VCF-style: chr1-44841937-G-T. GRCh37 (hg19) VCF-style: chr1-45307609-G-T.
Other names: c.175C>A, p.Leu59Ile (NM_001166292.2); short protein forms L59I.
Identifiers: ClinVar variation 997493 (VCV000997493.2), dbSNP rs1653965168, ClinGen allele CA340110818.
Genomic context (GRCh38, chr1:44,841,937, plus strand): 5'-CAATAATGGCCATGCGGAGACCTAATGCCAGGGCCCCAAAGGCCAACAGTCCCAGAAAGA[G>T]CACTTTGCCACAATGTCTCTGGATCCCGCATCCCAGAGAGAAGAGCAGGCCCTGGAAGTA-3'
Protein context (NP_003729.3, residues 49-69): CGIQRHCGKV[Leu59Ile]FLGLLAFGAL

ClinVar aggregate classification (germline): Uncertain significance (1 of 4 stars; one submission).

Conditions:
Gorlin syndrome. Also called: Basal cell nevus syndrome; Nevoid Basal Cell Carcinoma Syndrome. Identifiers: Orphanet 377, MedGen C0004779, MONDO:0007187.

Submission:

Baylor Genetics
Classification: Uncertain significance for Basal cell nevus syndrome 1. Last evaluated: 2019-02-21. Review status: criteria provided, single submitter. Criteria: ACMG Guidelines, 2015. Collection method: clinical testing. Allele origin: maternal. Affected: yes. Study: CSER-TexasKidsCanSeq.
Comment: This variant was determined to be of uncertain significance according to ACMG Guidelines, 2015 [PMID:25741868].